The following is an entry in ClinVar:

ClinVar aggregate classification (germline): Uncertain significance (1 of 4 stars; one submission).

Allele frequency attached by ClinVar (database versions not stated): gnomAD exomes below 0.00001; ExAC 0.00001; gnomAD 0.00005.
gnomAD v4.1: 12 of 1,599,674 alleles (0.00075%); highest among the groups gnomAD compares: African/African-American, 0.012%; no homozygotes.

Submission:

Ambry Genetics
Classification: Uncertain significance. Last evaluated: 2025-12-02. Review status: criteria provided, single submitter. Criteria: Ambry Variant Classification Scheme 2023. Collection method: clinical testing. Allele origin: germline.
Comment: The c.13604C>T (p.T4535I) alteration is located in exon 31 (coding exon 31) of the MUC5B gene. This alteration results from a C to T substitution at nucleotide position 13604, causing the threonine (T) at amino acid position 4535 to be replaced by an isoleucine (I). Based on data from gnomAD, the T allele has an overall frequency of 0.002% (4/246680) total alleles studied. The highest observed frequency was 0.02% (3/15028) of African alleles. Based on insufficient or conflicting evidence, the clinical significance of this alteration remains unclear.

NM_002458.3(MUC5B):c.13604C>T (p.Thr4535Ile)

Gene: MUC5B (mucin 5B, oligomeric mucus/gel-forming; plus strand). Cytogenetic location: 11p15.5.
Variant type: single nucleotide variant.
Coding change: c.13604C>T on transcript NM_002458.3 (MANE Select); coding-DNA position 13604, C replaced by T.
Protein change: p.Thr4535Ile; replaces threonine 4535 with isoleucine.
Molecular consequence: missense variant.
Genome position (GRCh38, 1-based): chr11:1,250,484, C>T. VCF-style: chr11-1250484-C-T. GRCh37 (hg19) VCF-style: chr11-1271714-C-T.
Other names: short protein forms T4535I.
Identifiers: ClinVar variation 3149192 (VCV003149192.2), dbSNP rs778408320, ClinGen allele CA5808369.